The following is an entry in ClinVar:

NM_006206.6(PDGFRA):c.3229_3242del (p.Gly1077fs)

Gene: PDGFRA (platelet derived growth factor receptor alpha; plus strand). Cytogenetic location: 4q12.
Variant type: Deletion.
Coding change: c.3229_3242del on transcript NM_006206.6 (MANE Select); coding-DNA positions 3229 to 3242, 14 bases deleted (GGCATAGACTCTTC).
Protein change: p.Gly1077fs; shifts the reading frame from glycine 1077.
Molecular consequence: frameshift variant.
Genome position (GRCh38, 1-based): chr4:54,295,231-54,295,244, GGCATAGACTCTTC deleted; deleting any 14 consecutive bases within chr4:54,295,229-54,295,244 gives the same sequence; the c. name uses the placement nearest the transcript's 3' end. VCF-style (leftmost placement, unchanged base first): chr4-54295228-ATCGGCATAGACTCT-A. GRCh37 (hg19) VCF-style: chr4-55161395-ATCGGCATAGACTCT-A.
Other names: c.3304_3317del, p.Gly1102fs (NM_001347828.2); c.3229_3242del, p.Gly1077fs (NM_001347829.2); c.3268_3281del, p.Gly1090fs (NM_001347830.2); short protein forms G1077fs, G1090fs, G1102fs.
Identifiers: ClinVar variation 1482084 (VCV001482084.6), dbSNP rs2110358945, ClinGen allele CA2573137816.
Genomic context (GRCh38, chr4:54,295,228, plus strand): 5'-AGTTCCACCTTCATCAAGAGAGAGGACGAGACCATTGAAGACATCGACATGATGGATGAC[ATCGGCATAGACTCT>A]TCAGACCTGGTGGAAGACAGCTTCCTGTAACTGGCGGATTCGAGGGGTTCCTTCCACTTC-3'

ClinVar aggregate classification (germline): Uncertain significance (1 of 4 stars; one submission).

Conditions:
Gastrointestinal stromal tumor. Also called: Gastrointestinal stroma tumor; Gastrointestinal stromal tumor, somatic. Identifiers: Orphanet 44890, MedGen C0238198, MeSH D046152, MONDO:0011719, OMIM 606764, HP:0100723.

Submission:

Labcorp Genetics (formerly Invitae), Labcorp
Classification: Uncertain significance for Gastrointestinal stromal tumor. Last evaluated: 2021-06-07. Review status: criteria provided, single submitter. Criteria: Invitae Variant Classification Sherloc (09022015). Collection method: clinical testing. Allele origin: germline.
Comment: This sequence change results in a frameshift in the PDGFRA gene (p.Gly1077Argfs*38). While this is not anticipated to result in nonsense mediated decay, it is expected to disrupt the last 13 amino acid(s) of the PDGFRA protein and extend the protein by 24 additional amino acid residues. This variant is not present in population databases (ExAC no frequency). This variant has not been reported in the literature in individuals with PDGFRA-related conditions. In summary, the available evidence is currently insufficient to determine the role of this variant in disease. Therefore, it has been classified as a Variant of Uncertain Significance.